The following is an entry in ClinVar:

NM_178859.4(SLC51B):c.37G>C (p.Gly13Arg)

Genes: RASL12 (RAS like family 12; minus strand), SLC51B (SLC51 subunit beta; plus strand). Cytogenetic location: 15q22.31.
Variant type: single nucleotide variant.
Coding change: c.37G>C on transcript NM_178859.4 (MANE Select); coding-DNA position 37, G replaced by C.
Protein change: p.Gly13Arg; replaces glycine 13 with arginine.
Molecular consequence: missense variant.
Genome position (GRCh38, 1-based): chr15:65,050,041, G>C. VCF-style: chr15-65050041-G-C. GRCh37 (hg19) VCF-style: chr15-65342379-G-C.
Other names: short protein forms G13R.
Identifiers: ClinVar variation 2870801 (VCV002870801.3), dbSNP rs745589743, ClinGen allele CA7613456.

ClinVar aggregate classification (germline): Uncertain significance (1 of 4 stars; one submission).

Allele frequency attached by ClinVar (database versions not stated): gnomAD 0.00002; TOPMed 0.00004.
gnomAD v4.1: 14 of 1,551,568 alleles (0.0009%); highest among the groups gnomAD compares: East Asian, 0.034%; no homozygotes.

Submission:

Labcorp Genetics (formerly Invitae), Labcorp
Classification: Uncertain significance. Last evaluated: 2024-07-31. Review status: criteria provided, single submitter. Criteria: Invitae Variant Classification Sherloc (09022015). Collection method: clinical testing. Allele origin: germline.
Comment: This sequence change replaces glycine, which is neutral and non-polar, with arginine, which is basic and polar, at codon 13 of the SLC51B protein (p.Gly13Arg). This variant is present in population databases (rs745589743, gnomAD 0.07%), and has an allele count higher than expected for a pathogenic variant. This variant has not been reported in the literature in individuals affected with SLC51B-related conditions. An algorithm developed to predict the effect of missense changes on protein structure and function (PolyPhen-2) suggests that this variant is likely to be disruptive. In summary, the available evidence is currently insufficient to determine the role of this variant in disease. Therefore, it has been classified as a Variant of Uncertain Significance.